The following is an entry in ClinVar:

NM_004655.4(AXIN2):c.329T>G (p.Phe110Cys)

Gene: AXIN2 (axin 2; minus strand). Cytogenetic location: 17q24.1.
Variant type: single nucleotide variant.
Coding change: c.329T>G on transcript NM_004655.4 (MANE Select); coding-DNA position 329, T replaced by G.
Protein change: p.Phe110Cys; replaces phenylalanine 110 with cysteine.
Molecular consequence: missense variant.
Genome position (GRCh38, 1-based): chr17:65,558,292, A>C on the plus strand (T>G on the coding strand, the complement: AXIN2 is on the minus strand). VCF-style: chr17-65558292-A-C. GRCh37 (hg19) VCF-style: chr17-63554410-A-C.
Other names: c.329T>G, p.Phe110Cys (NM_001363813.1); short protein forms F110C.
Identifiers: ClinVar variation 4740870 (VCV004740870.2).

ClinVar aggregate classification (germline): Uncertain significance. Review status: criteria provided, multiple submitters, no conflicts (2 of 4 stars). 2 submissions from 2 submitters: Uncertain significance (2). Last evaluated 2026-07-02.

Conditions:
Oligodontia-cancer predisposition syndrome. Also called: TOOTH AGENESIS-COLORECTAL CANCER SYNDROME. Identifiers: Orphanet 300576, MedGen C1837750, MONDO:0012075, OMIM 608615. Disease mechanism: loss of function.
Hereditary cancer-predisposing syndrome. Also called: Hereditary Cancer Syndrome; Hereditary neoplastic syndrome; Neoplastic Syndromes, Hereditary; Tumor predisposition. Identifiers: Orphanet 140162, MedGen C0027672, MeSH D009386, MONDO:0015356.

Submissions (2):

Ambry Genetics
Classification: Uncertain significance for Hereditary cancer-predisposing syndrome. Last evaluated: 2026-07-02. Review status: criteria provided, single submitter. Criteria: Ambry Variant Classification Scheme 2023. Collection method: clinical testing. Allele origin: germline.
Comment: The p.F110C variant (also known as c.329T>G), located in coding exon 1 of the AXIN2 gene, results from a T to G substitution at nucleotide position 329. The phenylalanine at codon 110 is replaced by cysteine, an amino acid with highly dissimilar properties. This amino acid position is conserved. In addition, this alteration is predicted to be deleterious by in silico analysis. Based on the available evidence, the clinical significance of this variant remains unclear.

Labcorp Genetics (formerly Invitae), Labcorp
Classification: Uncertain significance for Oligodontia-cancer predisposition syndrome. Last evaluated: 2025-12-21. Review status: criteria provided, single submitter. Criteria: Invitae Variant Classification Sherloc (09022015). Collection method: clinical testing. Allele origin: germline.
Comment: This sequence change replaces phenylalanine, which is neutral and non-polar, with cysteine, which is neutral and slightly polar, at codon 110 of the AXIN2 protein (p.Phe110Cys). This variant is not present in population databases (gnomAD no frequency). This variant has not been reported in the literature in individuals affected with AXIN2-related conditions. Invitae Evidence Modeling of protein sequence and biophysical properties (such as structural, functional, and spatial information, amino acid conservation, physicochemical variation, residue mobility, and thermodynamic stability) indicates that this missense variant is expected to disrupt AXIN2 protein function with a positive predictive value of 80%. In summary, the available evidence is currently insufficient to determine the role of this variant in disease. Therefore, it has been classified as a Variant of Uncertain Significance.